The following is an entry in ClinVar:

ClinVar aggregate classification (germline): Benign/Likely benign. Review status: criteria provided, multiple submitters, no conflicts (2 of 4 stars). 11 submissions from 10 submitters: Benign (8); Likely benign (3). Last evaluated 2026-06-16.

Conditions:
Polyps, multiple and recurrent inflammatory fibroid, gastrointestinal. Identifiers: MedGen C5193005, MONDO:0008285, OMIM 175510.
Hereditary cancer-predisposing syndrome. Also called: Hereditary Cancer Syndrome; Tumor predisposition; Neoplastic Syndromes, Hereditary; Hereditary neoplastic syndrome. Identifiers: Orphanet 140162, MedGen C0027672, MeSH D009386, MONDO:0015356.
Idiopathic hypereosinophilic syndrome (HES). Identifiers: Orphanet 3260, MedGen C0206141, MONDO:0011895, OMIM 607685. Disease mechanism: gain of function.
Gastrointestinal stromal tumor. Also called: Gastrointestinal stromal tumor, somatic; Gastrointestinal stroma tumor. Identifiers: Orphanet 44890, MedGen C0238198, MeSH D046152, MONDO:0011719, OMIM 606764, HP:0100723.

Allele frequency attached by ClinVar (database versions not stated): gnomAD exomes 0.00187; ExAC 0.00211; 1000 Genomes Project 0.00599; gnomAD 0.00651 and 0.00707; 1000 Genomes Project 30x 0.00734; TOPMed 0.00747; ESP Exome Variant Server 0.00892.
gnomAD v4.1: 2,050 of 1,613,306 alleles (0.13%); highest among the groups gnomAD compares: African/African-American, 2.2%; 16 homozygotes.

Submissions (11):

Myriad Genetics, Inc.
Classification: Benign for Polyps, multiple and recurrent inflammatory fibroid, gastrointestinal. Last evaluated: 2026-06-16. Review status: criteria provided, single submitter. Criteria: Myriad Autosomal Dominant, Autosomal Recessive and X-Linked Classification Criteria (2023). Collection method: clinical testing. Allele origin: unknown.
Comment: This variant is considered benign. This variant is a silent/synonymous amino acid change and it is not expected to impact splicing.

Labcorp Genetics (formerly Invitae), Labcorp
Classification: Benign for Gastrointestinal stromal tumor. Last evaluated: 2026-02-04. Review status: criteria provided, single submitter. Criteria: Invitae Variant Classification Sherloc (09022015). Collection method: clinical testing. Allele origin: germline.

CeGaT Center for Human Genetics Tuebingen
Classification: Benign. Last evaluated: 2026-01-01. Review status: criteria provided, single submitter. Criteria: CeGaT Center For Human Genetics Tuebingen Variant Classification Criteria Version 2. Collection method: clinical testing. Allele origin: germline. Affected: yes. Observed: 1 variant allele.
Comment: PDGFRA: BP4, BP7, BS1, BS2

Mayo Clinic Laboratories, Mayo Clinic
Classification: Likely benign. Last evaluated: 2025-08-18. Review status: criteria provided, single submitter. Criteria: ACMG Guidelines, 2015. Collection method: clinical testing. Allele origin: germline. Observed: 3 variant alleles.
Comment: BS1, BP4, BP7

ARUP Laboratories, Molecular Genetics and Genomics, ARUP Laboratories
Classification: Benign. Last evaluated: 2024-12-10. Review status: criteria provided, single submitter. Criteria: ARUP Molecular Germline Variant Investigation Process 2024. Collection method: clinical testing. Allele origin: germline.

GeneDx
Classification: Likely benign. Last evaluated: 2022-09-22. Review status: criteria provided, single submitter. Criteria: GeneDx Variant Classification Process June 2021. Collection method: clinical testing. Allele origin: germline. Affected: yes.
Comment: See Variant Classification Assertion Criteria.

Genetic Services Laboratory, University of Chicago
Classification: Benign. Last evaluated: 2021-12-23. Review status: criteria provided, single submitter. Criteria: ACMG Guidelines, 2015. Collection method: clinical testing. Allele origin: germline. Affected: no.

Ambry Genetics
Classification: Benign for Hereditary cancer-predisposing syndrome. Last evaluated: 2018-11-01. Review status: criteria provided, single submitter. Criteria: Ambry Variant Classification Scheme 2023. Collection method: clinical testing. Allele origin: germline.

Illumina Laboratory Services, Illumina
Classification: Benign for Gastrointestinal stromal tumor. Last evaluated: 2018-01-13. Review status: criteria provided, single submitter. Criteria: ICSL Variant Classification Criteria 13 December 2019. Collection method: clinical testing. Allele origin: germline.
Comment: This variant was observed in the ICSL laboratory as part of a predisposition screen in an ostensibly healthy population. It had not been previously curated by ICSL or reported in the Human Gene Mutation Database (HGMD: prior to June 1st, 2018), and was therefore a candidate for classification through an automated scoring system. Utilizing variant allele frequency, disease prevalence and penetrance estimates, and inheritance mode, an automated score was calculated to assess if this variant is too frequent to cause the disease. Based on the score and internal cut-off values, a variant classified as benign is not then subjected to further curation. The score for this variant resulted in a classification of benign for this disease.

Illumina Laboratory Services, Illumina
Classification: Benign for Idiopathic hypereosinophilic syndrome. Last evaluated: 2018-01-13. Review status: criteria provided, single submitter. Criteria: ICSL Variant Classification Criteria 13 December 2019. Collection method: clinical testing. Allele origin: germline.
Comment: the same text as in the submission from Illumina Laboratory Services, Illumina above.

Breakthrough Genomics
Classification: Likely benign. Review status: criteria provided, single submitter. Criteria: ACMG Guidelines, 2015. Collection method: not provided. Allele origin: germline. Inheritance: Autosomal dominant inheritance. Affected: yes.

NM_006206.6(PDGFRA):c.672G>A (p.Val224=)

Gene: PDGFRA (platelet derived growth factor receptor alpha; plus strand). Cytogenetic location: 4q12.
Variant type: single nucleotide variant.
Coding change: c.672G>A on transcript NM_006206.6 (MANE Select); coding-DNA position 672, G replaced by A.
Protein change: p.Val224=; no amino-acid change (valine 224 retained).
Molecular consequence: synonymous variant.
Genome position (GRCh38, 1-based): chr4:54,264,962, G>A. VCF-style: chr4-54264962-G-A. GRCh37 (hg19) VCF-style: chr4-55131129-G-A.
Other names: p.Val224=; c.672G>A, p.Val224= (NM_001347827.2, NM_001347829.2); c.747G>A, p.Val249= (NM_001347828.2); c.711G>A, p.Val237= (NM_001347830.2).
Identifiers: ClinVar variation 348895 (VCV000348895.34), dbSNP rs151259376, ClinGen allele CA2922353.